The following is an entry in ClinVar:

ClinVar aggregate classification (germline): Uncertain significance (1 of 4 stars; one submission).

Conditions:
Combined immunodeficiency due to LRBA deficiency. Also called: Common variable immunodeficiency 8, with autoimmunity. Identifiers: Orphanet 445018, MedGen C3553512, MONDO:0013863, OMIM 614700.

Allele frequency attached by ClinVar (database versions not stated): gnomAD exomes 0.00001.
gnomAD v4.1: 8 of 1,599,276 alleles (0.0005%); highest among the groups gnomAD compares: Non-Finnish European, 0.00069%; no homozygotes.

Submission:

Labcorp Genetics (formerly Invitae), Labcorp
Classification: Uncertain significance for Combined immunodeficiency due to LRBA deficiency. Last evaluated: 2018-12-15. Review status: criteria provided, single submitter. Criteria: Invitae Variant Classification Sherloc (09022015). Collection method: clinical testing. Allele origin: germline.
Comment: In summary, the available evidence is currently insufficient to determine the role of this variant in disease. Therefore, it has been classified as a Variant of Uncertain Significance. Nucleotide substitutions within the consensus splice site are a relatively common cause of aberrant splicing (PMID: 17576681, 9536098). Algorithms developed to predict the effect of sequence changes on RNA splicing suggest that this variant is not likely to affect RNA splicing, but this prediction has not been confirmed by published transcriptional studies. This variant has not been reported in the literature in individuals with LRBA-related conditions. This variant is not present in population databases (ExAC no frequency). This sequence change falls in intron 32 of the LRBA gene. It does not directly change the encoded amino acid sequence of the LRBA protein, but it affects a nucleotide within the consensus splice site of the intron.

Literature cited by the submitters: PubMed 17576681; PubMed 9536098.

NM_001364905.1(LRBA):c.5384+6T>G

Gene: LRBA (LPS responsive beige-like anchor protein; minus strand). Cytogenetic location: 4q31.3.
Variant type: single nucleotide variant.
Coding change: c.5384+6T>G on transcript NM_001364905.1 (MANE Select); 6 bases into the intron after coding-DNA position 5384, T replaced by G.
Molecular consequence: intron variant.
Genome position (GRCh38, 1-based): chr4:150,808,314, A>C on the plus strand (T>G on the coding strand, the complement: LRBA is on the minus strand). VCF-style: chr4-150808314-A-C. GRCh37 (hg19) VCF-style: chr4-151729466-A-C.
Other names: c.5384+6T>G (NM_001367550.1, NM_006726.5, NM_001199282.3 and 2 more transcripts).
Identifiers: ClinVar variation 664915 (VCV000664915.7), dbSNP rs1578850415, ClinGen allele CA915943222.
Genomic context (GRCh38, chr4:150,808,314, plus strand): 5'-ACCTAGATAGCTTAAAAAGTCATCAAAAGGTATAAATCACAATATTCAAGTTAGTAGCTT[A>C]AATACCTCATATTTGAAACCGGATCTTGTGAAACTGAATCAACTGTTGGAACTGAGGGCA-3'